The following is an entry in ClinVar:

NM_003482.4(KMT2D):c.12572T>C (p.Met4191Thr)

Gene: KMT2D (lysine methyltransferase 2D; minus strand). Cytogenetic location: 12q13.12.
Variant type: single nucleotide variant.
Coding change: c.12572T>C on transcript NM_003482.4 (MANE Select); coding-DNA position 12572, T replaced by C.
Protein change: p.Met4191Thr; replaces methionine 4191 with threonine.
Molecular consequence: missense variant.
Genome position (GRCh38, 1-based): chr12:49,032,133, A>G on the plus strand (T>C on the coding strand, the complement: KMT2D is on the minus strand). VCF-style: chr12-49032133-A-G. GRCh37 (hg19) VCF-style: chr12-49425916-A-G.
Other names: short protein forms M4191T.
Identifiers: ClinVar variation 4801194 (VCV004801194.1).

ClinVar aggregate classification (germline): Uncertain significance (1 of 4 stars; one submission).

Conditions:
Kabuki syndrome. Also called: NIIKAWA-KUROKI SYNDROME; Kabuki make-up syndrome. Identifiers: Orphanet 2322, MedGen C0796004, MONDO:0016512.

Submission:

Labcorp Genetics (formerly Invitae), Labcorp
Classification: Uncertain significance for Kabuki syndrome. Last evaluated: 2025-07-10. Review status: criteria provided, single submitter. Criteria: Invitae Variant Classification Sherloc (09022015). Collection method: clinical testing. Allele origin: germline.
Comment: This sequence change replaces methionine, which is neutral and non-polar, with threonine, which is neutral and polar, at codon 4191 of the KMT2D protein (p.Met4191Thr). This variant is not present in population databases (gnomAD no frequency). This variant has not been reported in the literature in individuals affected with KMT2D-related conditions. Invitae Evidence Modeling of protein sequence and biophysical properties (such as structural, functional, and spatial information, amino acid conservation, physicochemical variation, residue mobility, and thermodynamic stability) indicates that this missense variant is not expected to disrupt KMT2D protein function with a negative predictive value of 95%. In summary, the available evidence is currently insufficient to determine the role of this variant in disease. Therefore, it has been classified as a Variant of Uncertain Significance.